The following is an entry in ClinVar:

ClinVar aggregate classification (germline): Benign. Review status: criteria provided, multiple submitters, no conflicts (2 of 4 stars). 3 submissions from 3 submitters: Benign (3). Last evaluated 2026-01-27.

Conditions:
Multicentric osteolysis nodulosis arthropathy spectrum. Identifiers: Orphanet 3460, Orphanet 371428, MedGen C1850155, MONDO:0018298.

Allele frequency attached by ClinVar (database versions not stated): gnomAD exomes 0.00108 and 0.00268; ExAC 0.00347; gnomAD 0.01010 and 0.01084; TOPMed 0.01212; 1000 Genomes Project 0.01218; ESP Exome Variant Server 0.01270; 1000 Genomes Project 30x 0.01327.
gnomAD v4.1: 3,193 of 1,614,162 alleles (0.2%); highest among the groups gnomAD compares: African/African-American, 3.5%; 67 homozygotes.

Submissions (3):

Labcorp Genetics (formerly Invitae), Labcorp
Classification: Benign. Last evaluated: 2026-01-27. Review status: criteria provided, single submitter. Criteria: Invitae Variant Classification Sherloc (09022015). Collection method: clinical testing. Allele origin: germline.

Illumina Laboratory Services, Illumina
Classification: Benign for Multicentric osteolysis, nodulosis, and arthropathy. Last evaluated: 2018-01-13. Review status: criteria provided, single submitter. Criteria: ICSL Variant Classification Criteria 13 December 2019. Collection method: clinical testing. Allele origin: germline.
Comment: This variant was observed in the ICSL laboratory as part of a predisposition screen in an ostensibly healthy population. It had not been previously curated by ICSL or reported in the Human Gene Mutation Database (HGMD: prior to June 1st, 2018), and was therefore a candidate for classification through an automated scoring system. Utilizing variant allele frequency, disease prevalence and penetrance estimates, and inheritance mode, an automated score was calculated to assess if this variant is too frequent to cause the disease. Based on the score and internal cut-off values, a variant classified as benign is not then subjected to further curation. The score for this variant resulted in a classification of benign for this disease.

Breakthrough Genomics
Classification: Benign. Review status: criteria provided, single submitter. Criteria: ACMG Guidelines, 2015. Collection method: not provided. Allele origin: germline. Inheritance: Autosomal recessive inheritance. Affected: yes.

NM_004530.6(MMP2):c.1066C>T (p.Leu356=)

Gene: MMP2 (matrix metallopeptidase 2; plus strand). Cytogenetic location: 16q12.2.
Variant type: single nucleotide variant.
Coding change: c.1066C>T on transcript NM_004530.6 (MANE Select); coding-DNA position 1066, C replaced by T.
Protein change: p.Leu356=; no amino-acid change (leucine 356 retained).
Molecular consequence: synonymous variant.
Genome position (GRCh38, 1-based): chr16:55,489,710, C>T. VCF-style: chr16-55489710-C-T. GRCh37 (hg19) VCF-style: chr16-55523622-C-T.
Other names: c.916C>T, p.Leu306= (NM_001127891.3); c.838C>T, p.Leu280= (NM_001302508.1, NM_001302509.2, NM_001302510.2).
Identifiers: ClinVar variation 319753 (VCV000319753.17), dbSNP rs41513346, ClinGen allele CA8060301.
Genomic context (GRCh38, chr16:55,489,710, plus strand): 5'-GCCATGTCCACTGTTGGTGGGAACTCAGAAGGTGCCCCCTGTGTCTTCCCCTTCACTTTC[C>T]TGGGCAACAAATATGAGAGCTGCACCAGCGCCGGCCGCAGTGACGGAAAGATGTGGTGTG-3'
Protein context (NP_004521.1, residues 346-366): GAPCVFPFTF[Leu356=]GNKYESCTSA